The following is an entry in ClinVar:

NM_004973.4(JARID2):c.1803C>T (p.Leu601=)

Gene: JARID2 (jumonji and AT-rich interaction domain containing 2; plus strand). Cytogenetic location: 6p22.3.
Variant type: single nucleotide variant.
Coding change: c.1803C>T on transcript NM_004973.4 (MANE Select); coding-DNA position 1803, C replaced by T.
Protein change: p.Leu601=; no amino-acid change (leucine 601 retained).
Molecular consequence: synonymous variant.
Genome position (GRCh38, 1-based): chr6:15,497,028, C>T. VCF-style: chr6-15497028-C-T. GRCh37 (hg19) VCF-style: chr6-15497259-C-T.
Other names: c.1287C>T, p.Leu429= (NM_001267040.1).
Identifiers: ClinVar variation 2656246 (VCV002656246.24), dbSNP rs1311122641, ClinGen allele CA448952531.

ClinVar aggregate classification (germline): Likely benign (1 of 4 stars; one submission).

Allele frequency attached by ClinVar (database versions not stated): gnomAD exomes 0.00001; TOPMed 0.00001.
gnomAD v4.1: 5 of 1,613,402 alleles (0.00031%); highest among the groups gnomAD compares: Non-Finnish European, 0.00042%; no homozygotes.

Submission:

CeGaT Center for Human Genetics Tuebingen
Classification: Likely benign. Last evaluated: 2022-08-01. Review status: criteria provided, single submitter. Criteria: CeGaT Center For Human Genetics Tuebingen Variant Classification Criteria Version 2. Collection method: clinical testing. Allele origin: germline. Affected: yes. Observed: 1 variant allele.
Comment: JARID2: BP4, BP7